The following is an entry in ClinVar:

ClinVar aggregate classification (germline): Benign. Review status: criteria provided, multiple submitters, no conflicts (2 of 4 stars). 13 submissions from 13 submitters: Benign (10). 3 of the submissions do not count toward it. Last evaluated 2026-02-04.

Conditions:
Asphyxiating thoracic dystrophy 3. Also called: SHORT-RIB THORACIC DYSPLASIA 3 WITH OR WITHOUT POLYDACTYLY; POLYDACTYLY WITH NEONATAL CHONDRODYSTROPHY, TYPE I; SHORT-RIB THORACIC DYSPLASIA 3/6 WITH POLYDACTYLY, DIGENIC; Short rib polydactyly syndrome 2B; Saldino-Noonan Syndrome. Identifiers: Orphanet 474, Orphanet 93269, Orphanet 93270, Orphanet 93271, MedGen C0036069, MONDO:0013127, OMIM 613091.
Jeune thoracic dystrophy. Also called: Jeune syndrome; Infantile thoracic dystrophy; Thoracic pelvic phalangeal dystrophy; Jeune's syndrome; Chondroectodermal dysplasia-like syndrome; Short-rib thoracic dysplasia. Identifiers: Orphanet 474, MedGen C0265275, MONDO:0018770.

Allele frequency attached by ClinVar (database versions not stated): 1000 Genomes Project 30x 0.73204; 1000 Genomes Project 0.73842; gnomAD 0.75293 and 0.75446; TOPMed 0.75417; ESP Exome Variant Server 0.75444; ExAC 0.78735; gnomAD exomes 0.79373.
gnomAD v4.1: 1,206,072 of 1,521,494 alleles (79%); highest among the groups gnomAD compares: Admixed American, 84%; 480,082 homozygotes.

Submissions (13):

Labcorp Genetics (formerly Invitae), Labcorp
Classification: Benign for Jeune thoracic dystrophy. Last evaluated: 2026-02-04. Review status: criteria provided, single submitter. Criteria: Invitae Variant Classification Sherloc (09022015). Collection method: clinical testing. Allele origin: germline.

Women's Health and Genetics/Laboratory Corporation of America, LabCorp
Classification: Benign. Last evaluated: 2026-01-08. Review status: criteria provided, single submitter. Criteria: LabCorp Variant Classification Summary - May 2015. Collection method: clinical testing. Allele origin: germline.

Blueprint Genetics
Classification: Benign. Last evaluated: 2024-11-27. Review status: criteria provided, single submitter. Criteria: ACMG Guidelines, 2015. Collection method: clinical testing. Allele origin: germline.

Mayo Clinic Laboratories, Mayo Clinic
Classification: Benign. Last evaluated: 2022-03-09. Review status: criteria provided, single submitter. Criteria: ACMG Guidelines, 2015. Collection method: clinical testing. Allele origin: germline. Observed: 71 variant alleles.

Genome-Nilou Lab
Classification: Benign for Asphyxiating thoracic dystrophy 3. Last evaluated: 2021-07-30. Review status: criteria provided, single submitter. Criteria: ACMG Guidelines, 2015. Collection method: clinical testing. Allele origin: germline. Affected: no.

Mendelics
Classification: Benign for Asphyxiating thoracic dystrophy 3. Last evaluated: 2019-05-28. Review status: criteria provided, single submitter. Criteria: Mendelics Assertion Criteria 2017. Collection method: clinical testing. Allele origin: unknown.

Illumina Laboratory Services, Illumina
Classification: Benign for Asphyxiating thoracic dystrophy 3. Last evaluated: 2018-01-13. Review status: criteria provided, single submitter. Criteria: ICSL Variant Classification Criteria 13 December 2019. Collection method: clinical testing. Allele origin: germline.
Comment: This variant was observed in the ICSL laboratory as part of a predisposition screen in an ostensibly healthy population. It had not been previously curated by ICSL or reported in the Human Gene Mutation Database (HGMD: prior to June 1st, 2018), and was therefore a candidate for classification through an automated scoring system. Utilizing variant allele frequency, disease prevalence and penetrance estimates, and inheritance mode, an automated score was calculated to assess if this variant is too frequent to cause the disease. Based on the score and internal cut-off values, a variant classified as benign is not then subjected to further curation. The score for this variant resulted in a classification of benign for this disease.

Laboratory for Molecular Medicine, Mass General Brigham Personalized Medicine
Classification: Benign. Last evaluated: 2016-03-28. Review status: criteria provided, single submitter. Criteria: LMM Criteria. Collection method: clinical testing. Allele origin: germline.
Comment: Variant identified in a genome or exome case(s) and assessed due to predicted null impact of the variant or pathogenic assertions in the literature or databases. Disclaimer: This variant has not undergone full assessment. The following are preliminary notes: Frequency

GeneDx
Classification: Benign. Last evaluated: 2016-03-03. Review status: criteria provided, single submitter. Criteria: GeneDx Variant Classification (06012015). Collection method: clinical testing. Allele origin: germline. Affected: yes.
Comment: This variant is considered likely benign or benign based on one or more of the following criteria: it is a conservative change, it occurs at a poorly conserved position in the protein, it is predicted to be benign by multiple in silico algorithms, and/or has population frequency not consistent with disease.

Breakthrough Genomics
Classification: Benign. Review status: criteria provided, single submitter. Criteria: ACMG Guidelines, 2015. Collection method: not provided. Allele origin: germline. Inheritance: Autosomal recessive inheritance. Affected: yes.

Clinical Genetics DNA and cytogenetics Diagnostics Lab, Erasmus MC, Erasmus Medical Center
Classification: Benign. Review status: no assertion criteria provided. Collection method: clinical testing. Allele origin: germline. Affected: yes. Study: VKGL Data-share Consensus. Not counted in ClinVar's aggregate classification.

Diagnostic Laboratory, Department of Genetics, University Medical Center Groningen
Classification: Benign. Review status: no assertion criteria provided. Collection method: clinical testing. Allele origin: germline. Affected: yes. Study: VKGL Data-share Consensus. Not counted in ClinVar's aggregate classification.

Joint Genome Diagnostic Labs from Nijmegen and Maastricht, Radboudumc and MUMC+
Classification: Benign. Review status: no assertion criteria provided. Collection method: clinical testing. Allele origin: germline. Affected: yes. Study: VKGL Data-share Consensus. Not counted in ClinVar's aggregate classification.

NM_001377.3(DYNC2H1):c.8612G>A (p.Arg2871Gln)

Gene: DYNC2H1 (dynein cytoplasmic 2 heavy chain 1; plus strand). Cytogenetic location: 11q22.3.
Variant type: single nucleotide variant.
Coding change: c.8612G>A on transcript NM_001377.3 (MANE Select); coding-DNA position 8612, G replaced by A.
Protein change: p.Arg2871Gln; replaces arginine 2871 with glutamine.
Molecular consequence: missense variant.
Genome position (GRCh38, 1-based): chr11:103,211,861, G>A. VCF-style: chr11-103211861-G-A. GRCh37 (hg19) VCF-style: chr11-103082590-G-A.
Other names: c.8612G>A, p.Arg2871Gln (NM_001080463.2); short protein forms R2871Q.
Identifiers: ClinVar variation 302073 (VCV000302073.33), dbSNP rs589623, ClinGen allele CA6254492.